The following is an entry in ClinVar:

ClinVar aggregate classification (germline): Uncertain significance (1 of 4 stars; one submission).

Conditions:
Imerslund-Grasbeck syndrome. Also called: ENTEROCYTE COBALAMIN MALABSORPTION; ENTEROCYTE INTRINSIC FACTOR RECEPTOR, DEFECT OF; PERNICIOUS ANEMIA, JUVENILE, DUE TO SELECTIVE INTESTINAL MALABSORPTION OF VITAMIN B12, WITH PROTEINURIA; Megaloblastic anemia due to inborn errors of metabolism; Imerslund-Gräsbeck syndrome. Identifiers: Orphanet 35858, MedGen C4551825, MONDO:0009853.

gnomAD v4.1: 24 of 1,614,154 alleles (0.0015%); highest among the groups gnomAD compares: Non-Finnish European, 0.0019%; no homozygotes.

Submission:

Labcorp Genetics (formerly Invitae), Labcorp
Classification: Uncertain significance for Imerslund-Grasbeck syndrome. Last evaluated: 2025-11-07. Review status: criteria provided, single submitter. Criteria: Invitae Variant Classification Sherloc (09022015). Collection method: clinical testing. Allele origin: germline.
Comment: This sequence change replaces lysine, which is basic and polar, with glutamine, which is neutral and polar, at codon 213 of the CUBN protein (p.Lys213Gln). This variant is not present in population databases (gnomAD no frequency). This variant has not been reported in the literature in individuals affected with CUBN-related conditions. Invitae Evidence Modeling of protein sequence and biophysical properties (such as structural, functional, and spatial information, amino acid conservation, physicochemical variation, residue mobility, and thermodynamic stability) indicates that this missense variant is not expected to disrupt CUBN protein function with a negative predictive value of 80%. In summary, the available evidence is currently insufficient to determine the role of this variant in disease. Therefore, it has been classified as a Variant of Uncertain Significance.

NM_001081.4(CUBN):c.637A>C (p.Lys213Gln)

Genes: CUBN (cubilin; minus strand), LOC126860871 (MED14-independent group 3 enhancer GRCh37_chr10:17157167-17158366; plus strand). Cytogenetic location: 10p13.
Variant type: single nucleotide variant.
Coding change: c.637A>C on transcript NM_001081.4 (MANE Select); coding-DNA position 637, A replaced by C.
Protein change: p.Lys213Gln; replaces lysine 213 with glutamine.
Molecular consequence: missense variant.
Genome position (GRCh38, 1-based): chr10:17,115,554, T>G on the plus strand (A>C on the coding strand, the complement: CUBN is on the minus strand). VCF-style: chr10-17115554-T-G. GRCh37 (hg19) VCF-style: chr10-17157553-T-G.
Other names: short protein forms K213Q.
Identifiers: ClinVar variation 4761659 (VCV004761659.1).